The following is an entry in ClinVar:

NM_003848.4(SUCLG2):c.41G>T (p.Arg14Leu)

Gene: SUCLG2 (succinate-CoA ligase GDP-forming subunit beta; minus strand). Cytogenetic location: 3p14.1.
Variant type: single nucleotide variant.
Coding change: c.41G>T on transcript NM_003848.4 (MANE Select); coding-DNA position 41, G replaced by T.
Protein change: p.Arg14Leu; replaces arginine 14 with leucine.
Molecular consequence: missense variant.
Genome position (GRCh38, 1-based): chr3:67,654,546, C>A on the plus strand (G>T on the coding strand, the complement: SUCLG2 is on the minus strand). VCF-style: chr3-67654546-C-A. GRCh37 (hg19) VCF-style: chr3-67704970-C-A.
Other names: c.41G>T, p.Arg14Leu (NM_001177599.2); short protein forms R14L.
Identifiers: ClinVar variation 4750253 (VCV004750253.1).

ClinVar aggregate classification (germline): Uncertain significance (1 of 4 stars; one submission).

gnomAD v4.1: 12 of 1,267,826 alleles (0.00095%); highest among the groups gnomAD compares: African/African-American, 0.017%; no homozygotes.

Submission:

Labcorp Genetics (formerly Invitae), Labcorp
Classification: Uncertain significance. Last evaluated: 2025-12-09. Review status: criteria provided, single submitter. Criteria: Invitae Variant Classification Sherloc (09022015). Collection method: clinical testing. Allele origin: germline.
Comment: This sequence change replaces arginine, which is basic and polar, with leucine, which is neutral and non-polar, at codon 14 of the SUCLG2 protein (p.Arg14Leu). This variant is present in population databases (rs778193951, gnomAD 0.009%). This variant has not been reported in the literature in individuals affected with SUCLG2-related conditions. An algorithm developed to predict the effect of missense changes on protein structure and function (PolyPhen-2) suggests that this variant is likely to be tolerated. In summary, the available evidence is currently insufficient to determine the role of this variant in disease. Therefore, it has been classified as a Variant of Uncertain Significance.